The following is an entry in ClinVar:

NM_006206.6(PDGFRA):c.1892-1G>C

Gene: PDGFRA (platelet derived growth factor receptor alpha; plus strand). Cytogenetic location: 4q12.
Variant type: single nucleotide variant.
Coding change: c.1892-1G>C on transcript NM_006206.6 (MANE Select); the canonical splice acceptor site of the intron before coding-DNA position 1892, G replaced by C.
Molecular consequence: splice acceptor variant.
Genome position (GRCh38, 1-based): chr4:54,277,895, G>C. VCF-style: chr4-54277895-G-C. GRCh37 (hg19) VCF-style: chr4-55144062-G-C.
Other names: c.1967-1G>C (NM_001347828.2); c.1892-1G>C (NM_001347827.2, NM_001347829.2); c.1931-1G>C (NM_001347830.2).
Identifiers: ClinVar variation 3345441 (VCV003345441.2).

ClinVar aggregate classification (germline): Uncertain significance. Review status: criteria provided, single submitter (1 of 4 stars). 2 submissions from 2 submitters: Uncertain significance (1). 1 of the submissions does not count toward it. Last evaluated 2026-04-18.

Conditions:
PDGFRA-related disorder. Also called: PDGFRA-related condition.

Submissions (2):

GeneDx
Classification: Uncertain significance. Last evaluated: 2026-04-18. Review status: criteria provided, single submitter. Criteria: GeneDx Variant Classification Process June 2021. Collection method: clinical testing. Allele origin: germline.
Comment: Not observed at significant frequency in large population cohorts (gnomAD); Canonical splice site variant in a gene for which loss of function is not a known mechanism of disease; Has not been previously published as pathogenic or benign to our knowledge

PreventionGenetics, part of Exact Sciences
Classification: Uncertain significance for PDGFRA-related condition. Last evaluated: 2024-08-05. Review status: no assertion criteria provided. Collection method: clinical testing. Allele origin: germline. Not counted in ClinVar's aggregate classification.
Comment: The PDGFRA c.1892-1G>C variant is predicted to disrupt the AG splice acceptor site and interfere with normal splicing. To our knowledge, this variant has not been reported in the literature or in a large population database, indicating this variant is rare. Although we suspect that this variant may be pathogenic, at this time, the clinical significance of this variant is uncertain due to the absence of conclusive functional and genetic evidence.